The following is an entry in ClinVar:

NM_173354.5(SIK1):c.30C>T (p.Asp10=)

Gene: SIK1 (salt inducible kinase 1; minus strand). Cytogenetic location: 21q22.3.
Variant type: single nucleotide variant.
Coding change: c.30C>T on transcript NM_173354.5 (MANE Select); coding-DNA position 30, C replaced by T.
Protein change: p.Asp10=; no amino-acid change (aspartic acid 10 retained).
Molecular consequence: synonymous variant.
Genome position (GRCh38, 1-based): chr21:43,426,149, G>A on the plus strand (C>T on the coding strand, the complement: SIK1 is on the minus strand). VCF-style: chr21-43426149-G-A. GRCh37 (hg19) VCF-style: chr21-44846029-G-A.
Identifiers: ClinVar variation 1592686 (VCV001592686.32), dbSNP rs751254558, ClinGen allele CA321330062.

ClinVar aggregate classification (germline): Benign/Likely benign. Review status: criteria provided, multiple submitters, no conflicts (2 of 4 stars). 2 submissions from 2 submitters: Benign (1); Likely benign (1). Last evaluated 2025-05-02.

Conditions:
Developmental and epileptic encephalopathy, 30 (DEE30). Also called: Epileptic encephalopathy, early infantile, 30. Identifiers: MedGen C4225360, MONDO:0014595, OMIM 616341.

Allele frequency attached by ClinVar (database versions not stated): gnomAD exomes 0.00011; ExAC 0.00013.

Submissions (2):

Labcorp Genetics (formerly Invitae), Labcorp
Classification: Benign for Developmental and epileptic encephalopathy, 30. Last evaluated: 2025-05-02. Review status: criteria provided, single submitter. Criteria: Invitae Variant Classification Sherloc (09022015). Collection method: clinical testing. Allele origin: germline.

CeGaT Center for Human Genetics Tuebingen
Classification: Likely benign. Last evaluated: 2022-10-01. Review status: criteria provided, single submitter. Criteria: CeGaT Center For Human Genetics Tuebingen Variant Classification Criteria Version 2. Collection method: clinical testing. Allele origin: germline. Affected: yes. Observed: 1 variant allele.
Comment: SIK1: BP4, BP7